The following is an entry in ClinVar:

NM_022455.5(NSD1):c.3803G>A (p.Arg1268Gln)

Gene: NSD1 (nuclear receptor binding SET domain protein 1; plus strand). Cytogenetic location: 5q35.3.
Variant type: single nucleotide variant.
Coding change: c.3803G>A on transcript NM_022455.5 (MANE Select); coding-DNA position 3803, G replaced by A.
Protein change: p.Arg1268Gln; replaces arginine 1268 with glutamine.
Molecular consequence: missense variant.
Genome position (GRCh38, 1-based): chr5:177,235,827, G>A. VCF-style: chr5-177235827-G-A. GRCh37 (hg19) VCF-style: chr5-176662828-G-A.
Other names: c.2930G>A, p.Arg977Gln (NM_001409307.1, NM_001409308.1, NM_001409309.1 and 3 more transcripts); c.3803G>A, p.Arg1268Gln (NM_001409301.1, NM_001409302.1, NM_001409303.1); c.3383G>A, p.Arg1128Gln (NM_001409304.1); c.3050G>A, p.Arg1017Gln (NM_001409305.1); short protein forms R1268Q, R999Q, R977Q, R1017Q, R1128Q.
Identifiers: ClinVar variation 159314 (VCV000159314.16), dbSNP rs368706736, ClinGen allele CA172813.

ClinVar aggregate classification (germline): Benign/Likely benign. Review status: criteria provided, multiple submitters, no conflicts (2 of 4 stars). 7 submissions from 6 submitters: Benign (1); Likely benign (4). 2 of the submissions do not count toward it. Last evaluated 2025-08-13.

Conditions:
Sotos syndrome (SOTOS). Also called: SOTOS SYNDROME 1; CEREBRAL GIGANTISM; Distinctive facial appearance, overgrowth in childhood, and learning disabilities or delayed development; CHROMOSOME 5q35 DELETION SYNDROME; Sotos' syndrome. Identifiers: Orphanet 821, MedGen C0175695, MONDO:0019349, OMIM 117550.
NSD1-related disorder. Also called: NSD1-related condition.
Inborn genetic diseases. Identifiers: MedGen C0950123, MeSH D030342.

Allele frequency attached by ClinVar (database versions not stated): gnomAD exomes 0.00005; ESP Exome Variant Server 0.00008; gnomAD 0.00005; TOPMed 0.00011; ExAC 0.00002.
gnomAD v4.1: 109 of 1,613,740 alleles (0.0068%); highest among the groups gnomAD compares: Admixed American, 0.013%; no homozygotes.

Submissions (7):

Ambry Genetics
Classification: Likely benign for Inborn genetic diseases. Last evaluated: 2025-08-13. Review status: criteria provided, single submitter. Criteria: Ambry Variant Classification Scheme 2023. Collection method: clinical testing. Allele origin: germline.

Labcorp Genetics (formerly Invitae), Labcorp
Classification: Benign. Last evaluated: 2024-11-18. Review status: criteria provided, single submitter. Criteria: Invitae Variant Classification Sherloc (09022015). Collection method: clinical testing. Allele origin: germline.

Blueprint Genetics
Classification: Likely benign. Last evaluated: 2024-03-07. Review status: criteria provided, single submitter. Criteria: ACMG Guidelines, 2015. Collection method: clinical testing. Allele origin: germline.

Genome-Nilou Lab
Classification: Likely benign for Sotos syndrome. Last evaluated: 2021-07-15. Review status: criteria provided, single submitter. Criteria: ACMG Guidelines, 2015. Collection method: clinical testing. Allele origin: germline. Affected: no.

Genetic Services Laboratory, University of Chicago
Classification: Likely benign. Last evaluated: 2013-02-08. Review status: criteria provided, single submitter. Criteria: ACMG Guidelines, 2007. Collection method: clinical testing. Allele origin: germline. Inheritance: Autosomal dominant inheritance.

PreventionGenetics, part of Exact Sciences
Classification: Likely benign for NSD1-related condition. Last evaluated: 2022-05-25. Review status: no assertion criteria provided. Collection method: clinical testing. Allele origin: germline. Not counted in ClinVar's aggregate classification.
Comment: This variant is classified as likely benign based on ACMG/AMP sequence variant interpretation guidelines (Richards et al. 2015 PMID: 25741868, with internal and published modifications).

Labcorp Genetics (formerly Invitae), Labcorp
Classification: Benign. Last evaluated: 2022-09-27. Review status: flagged submission. Criteria: Invitae Variant Classification Sherloc (09022015). Collection method: clinical testing. Allele origin: germline. Not counted in ClinVar's aggregate classification.
ClinVar note: Reason: This record appears to be redundant with a more recent record from the same submitter.
ClinVar note: Notes: SCV002227243 appears to be redundant with SCV000749432.